The following is an entry in ClinVar:

NM_001735.3(C5):c.4693A>G (p.Ile1565Val)

Gene: C5 (complement C5; minus strand). Cytogenetic location: 9q33.2.
Variant type: single nucleotide variant.
Coding change: c.4693A>G on transcript NM_001735.3 (MANE Select); coding-DNA position 4693, A replaced by G.
Protein change: p.Ile1565Val; replaces isoleucine 1565 with valine.
Molecular consequence: missense variant.
Genome position (GRCh38, 1-based): chr9:120,957,354, T>C on the plus strand (A>G on the coding strand, the complement: C5 is on the minus strand). VCF-style: chr9-120957354-T-C. GRCh37 (hg19) VCF-style: chr9-123719632-T-C.
Other names: c.4711A>G, p.Ile1571Val (NM_001317163.2); c.4693A>G (NM_001735.2); short protein forms I1571V, I1565V.
Identifiers: ClinVar variation 1358924 (VCV001358924.8), dbSNP rs375352964, ClinGen allele CA5217087.
Genomic context (GRCh38, chr9:120,957,354, plus strand): 5'-AGATATCCAGAAGGGTTGCCTTGTACTTGACAAAAACATTTTCTACAGTGATGGATGTGA[T>C]GCTAACTTTATAAGCTGGCAAAAGACAAACAACAATGAAACAATTCAGTCTTAATACTAT-3'
Protein context (NP_001726.2, residues 1555-1575): PEIAYAYKVS[Ile1565Val]TSITVENVFV

ClinVar aggregate classification (germline): Uncertain significance. Review status: criteria provided, multiple submitters, no conflicts (2 of 4 stars). 3 submissions from 3 submitters: Uncertain significance (3). Last evaluated 2023-07-05.

Conditions:
Eculizumab, poor response to. Identifiers: MedGen C3810402, OMIM 615749.
Complement component 5 deficiency. Also called: C5 DEFICIENCY. Identifiers: MedGen C0343047, MONDO:0012295, OMIM 609536.

Allele frequency attached by ClinVar (database versions not stated): gnomAD 0.00001 and 0.00002; ExAC 0.00002; gnomAD exomes 0.00003 and 0.00005; TOPMed 0.00003; ESP Exome Variant Server 0.00008.
gnomAD v4.1: 76 of 1,612,574 alleles (0.0047%); highest among the groups gnomAD compares: Non-Finnish European, 0.0062%; no homozygotes.

Submissions (3):

Ambry Genetics
Classification: Uncertain significance. Last evaluated: 2023-07-05. Review status: criteria provided, single submitter. Criteria: Ambry Variant Classification Scheme 2023. Collection method: clinical testing. Allele origin: germline.

Labcorp Genetics (formerly Invitae), Labcorp
Classification: Uncertain significance. Last evaluated: 2022-06-13. Review status: criteria provided, single submitter. Criteria: Invitae Variant Classification Sherloc (09022015). Collection method: clinical testing. Allele origin: germline.
Comment: In summary, the available evidence is currently insufficient to determine the role of this variant in disease. Therefore, it has been classified as a Variant of Uncertain Significance. Algorithms developed to predict the effect of missense changes on protein structure and function (SIFT, PolyPhen-2, Align-GVGD) all suggest that this variant is likely to be tolerated. This variant has not been reported in the literature in individuals affected with C5-related conditions. This variant is present in population databases (rs375352964, gnomAD 0.006%). This sequence change replaces isoleucine, which is neutral and non-polar, with valine, which is neutral and non-polar, at codon 1565 of the C5 protein (p.Ile1565Val).

Fulgent Genetics
Classification: Uncertain significance for Complement component 5 deficiency; Eculizumab, poor response to. Last evaluated: 2022-02-07. Review status: criteria provided, single submitter. Criteria: ACMG Guidelines, 2015. Collection method: clinical testing. Allele origin: unknown.